The following is an entry in ClinVar:

NM_002439.5(MSH3):c.3273A>C (p.Lys1091Asn)

Gene: MSH3 (mutS homolog 3; plus strand). Cytogenetic location: 5q14.1.
Variant type: single nucleotide variant.
Coding change: c.3273A>C on transcript NM_002439.5 (MANE Select); coding-DNA position 3273, A replaced by C.
Protein change: p.Lys1091Asn; replaces lysine 1091 with asparagine.
Molecular consequence: missense variant.
Genome position (GRCh38, 1-based): chr5:80,873,258, A>C. VCF-style: chr5-80873258-A-C. GRCh37 (hg19) VCF-style: chr5-80169077-A-C.
Other names: short protein forms K1091N.
Identifiers: ClinVar variation 3717452 (VCV003717452.2).
Genomic context (GRCh38, chr5:80,873,258, plus strand): 5'-TGTGGCTAAACTAGCAGATGTTCCTGGAGAAATTTTGAAGAAAGCAGCTCACAAGTCAAA[A>C]GAGCTGGAAGGATTAATAAATACGAAAAGGTCAGAGTGATTATGCTGCATTTTTTCATTT-3'
Protein context (NP_002430.3, residues 1081-1101): EILKKAAHKS[Lys1091Asn]ELEGLINTKR

ClinVar aggregate classification (germline): Uncertain significance (1 of 4 stars; one submission).

Submission:

Labcorp Genetics (formerly Invitae), Labcorp
Classification: Uncertain significance. Last evaluated: 2024-09-16. Review status: criteria provided, single submitter. Criteria: Invitae Variant Classification Sherloc (09022015). Collection method: clinical testing. Allele origin: germline.
Comment: This sequence change replaces lysine, which is basic and polar, with asparagine, which is neutral and polar, at codon 1091 of the MSH3 protein (p.Lys1091Asn). This variant is not present in population databases (gnomAD no frequency). This variant has not been reported in the literature in individuals affected with MSH3-related conditions. An algorithm developed to predict the effect of missense changes on protein structure and function (PolyPhen-2) suggests that this variant is likely to be tolerated. In summary, the available evidence is currently insufficient to determine the role of this variant in disease. Therefore, it has been classified as a Variant of Uncertain Significance.